The following is an entry in ClinVar:

NM_016222.4(DDX41):c.1787C>T (p.Pro596Leu)

Gene: DDX41 (DEAD-box helicase 41; minus strand). Cytogenetic location: 5q35.3.
Variant type: single nucleotide variant.
Coding change: c.1787C>T on transcript NM_016222.4 (MANE Select); coding-DNA position 1787, C replaced by T.
Protein change: p.Pro596Leu; replaces proline 596 with leucine.
Molecular consequence: missense variant.
Genome position (GRCh38, 1-based): chr5:177,511,873, G>A on the plus strand (C>T on the coding strand, the complement: DDX41 is on the minus strand). VCF-style: chr5-177511873-G-A. GRCh37 (hg19) VCF-style: chr5-176938874-G-A.
Other names: c.1409C>T, p.Pro470Leu (NM_001321732.2, NM_001321830.2); short protein forms P596L, P470L.
Identifiers: ClinVar variation 5035146 (VCV005035146.1).

ClinVar aggregate classification (germline): Uncertain significance (1 of 4 stars; one submission).

Conditions:
Inborn genetic diseases. Identifiers: MedGen C0950123, MeSH D030342.

Submission:

Ambry Genetics
Classification: Uncertain significance for Inborn genetic diseases. Last evaluated: 2026-07-05. Review status: criteria provided, single submitter. Criteria: Ambry Variant Classification Scheme 2023. Collection method: clinical testing. Allele origin: germline.
Comment: The p.P596L variant (also known as c.1787C>T), located in coding exon 17 of the DDX41 gene, results from a C to T substitution at nucleotide position 1787. The proline at codon 596 is replaced by leucine, an amino acid with similar properties. This amino acid position is conserved. In addition, this alteration is predicted to be deleterious by in silico analysis. Based on the available evidence, the clinical significance of this variant remains unclear.